The following is an entry in ClinVar:

NM_004415.4(DSP):c.1729A>C (p.Met577Leu)

Gene: DSP (desmoplakin; plus strand). Cytogenetic location: 6p24.3.
Variant type: single nucleotide variant.
Coding change: c.1729A>C on transcript NM_004415.4 (MANE Select); coding-DNA position 1729, A replaced by C.
Protein change: p.Met577Leu; replaces methionine 577 with leucine.
Molecular consequence: missense variant.
Genome position (GRCh38, 1-based): chr6:7,571,410, A>C. VCF-style: chr6-7571410-A-C. GRCh37 (hg19) VCF-style: chr6-7571643-A-C.
Other names: c.1729A>C (LRG_423t1); c.1729A>C, p.Met577Leu (NM_001008844.3, NM_001319034.2); short protein forms M577L.
Identifiers: ClinVar variation 628702 (VCV000628702.15), dbSNP rs764127243, ClinGen allele CA029811.

ClinVar aggregate classification (germline): Uncertain significance. Review status: criteria provided, multiple submitters, no conflicts (2 of 4 stars). 2 submissions from 2 submitters: Uncertain significance (2). Last evaluated 2025-10-21.

Conditions:
Cardiomyopathy (CMYO). Also called: Cardiomyopathies. Identifiers: Orphanet 167848, MedGen C0878544, MONDO:0004994, HP:0001638. Inheritance: Various modes of inheritance.
Arrhythmogenic cardiomyopathy with wooly hair and keratoderma. Also called: PALMOPLANTAR KERATODERMA WITH LEFT VENTRICULAR CARDIOMYOPATHY AND WOOLLY HAIR; Carvajal syndrome; Dilated cardiomyopathy with woolly hair and keratoderma; Arrhythmogenic cardiomyopathy with woolly hair and keratoderma. Identifiers: Orphanet 65282, MedGen C1854063, MONDO:0011581, OMIM 605676.
Arrhythmogenic right ventricular dysplasia 8 (ARVD8). Also called: ARRHYTHMOGENIC RIGHT VENTRICULAR DYSPLASIA, FAMILIAL, 8; ARRHYTHMOGENIC RIGHT VENTRICULAR CARDIOMYOPATHY 8; Arrhythmogenic Right Ventricular Dysplasia/Cardiomyopathy 8. Identifiers: MedGen C1843896, MONDO:0011831, OMIM 607450.

Allele frequency attached by ClinVar (database versions not stated): gnomAD exomes below 0.00001; TOPMed below 0.00001; ExAC 0.00001.

Submissions (2):

Labcorp Genetics (formerly Invitae), Labcorp
Classification: Uncertain significance for Arrhythmogenic cardiomyopathy with wooly hair and keratoderma; Arrhythmogenic right ventricular dysplasia 8. Last evaluated: 2025-10-21. Review status: criteria provided, single submitter. Criteria: Invitae Variant Classification Sherloc (09022015). Collection method: clinical testing. Allele origin: germline.
Comment: This sequence change replaces methionine, which is neutral and non-polar, with leucine, which is neutral and non-polar, at codon 577 of the DSP protein (p.Met577Leu). This variant is present in population databases (rs764127243, gnomAD 0.0009%). This variant has not been reported in the literature in individuals affected with DSP-related conditions. ClinVar contains an entry for this variant (Variation ID: 628702). An algorithm developed to predict the effect of missense changes on protein structure and function outputs the following: PolyPhen-2: "Benign". The leucine amino acid residue is found in multiple mammalian species, which suggests that this missense change does not adversely affect protein function. In summary, the available evidence is currently insufficient to determine the role of this variant in disease. Therefore, it has been classified as a Variant of Uncertain Significance.

Color Diagnostics, LLC DBA Color Health
Classification: Uncertain significance for Cardiomyopathy. Last evaluated: 2024-03-06. Review status: criteria provided, single submitter. Criteria: ACMG Guidelines, 2015. Collection method: clinical testing. Allele origin: germline.
Comment: This missense variant replaces methionine with leucine at codon 577 of the DSP protein. Computational prediction suggests that this variant may not impact protein structure and function (internally defined REVEL score threshold <= 0.5, PMID: 27666373). To our knowledge, functional studies have not been reported for this variant. This variant has not been reported in individuals affected with cardiovascular disorders in the literature. This variant has been identified in 1/251334 chromosomes in the general population by the Genome Aggregation Database (gnomAD). The available evidence is insufficient to determine the role of this variant in disease conclusively. Therefore, this variant is classified as a Variant of Uncertain Significance.